The following is an entry in ClinVar:

NM_001319217.2(CYP1A1):c.857T>C (p.Ile286Thr)

Gene: CYP1A1 (cytochrome P450 family 1 subfamily A member 1; minus strand). Cytogenetic location: 15q24.1.
Variant type: single nucleotide variant.
Coding change: c.857T>C on transcript NM_001319217.2 (MANE Select); coding-DNA position 857, T replaced by C.
Protein change: p.Ile286Thr; replaces isoleucine 286 with threonine.
Molecular consequence: missense variant.
Genome position (GRCh38, 1-based): chr15:74,721,686, A>G on the plus strand (T>C on the coding strand, the complement: CYP1A1 is on the minus strand). VCF-style: chr15-74721686-A-G. GRCh37 (hg19) VCF-style: chr15-75014027-A-G.
Other names: c.857T>C, p.Ile286Thr (NM_000499.5, NM_001319216.2); short protein forms I286T.
Identifiers: ClinVar variation 782007 (VCV000782007.26), dbSNP rs4987133, ClinGen allele CA7659436.

ClinVar aggregate classification (germline): Benign/Likely benign. Review status: criteria provided, multiple submitters, no conflicts (2 of 4 stars). 3 submissions from 3 submitters: Benign (2); Likely benign (1). Last evaluated 2024-02-01.

Allele frequency attached by ClinVar (database versions not stated): 1000 Genomes Project 30x 0.00062; 1000 Genomes Project 0.00080; gnomAD exomes 0.00091 and 0.00152; gnomAD 0.00107; ESP Exome Variant Server 0.00116; ExAC 0.00125; TOPMed 0.00130.

Submissions (3):

CeGaT Center for Human Genetics Tuebingen
Classification: Likely benign. Last evaluated: 2024-02-01. Review status: criteria provided, single submitter. Criteria: CeGaT Center For Human Genetics Tuebingen Variant Classification Criteria Version 2. Collection method: clinical testing. Allele origin: germline. Affected: yes. Observed: 2 variant alleles.
Comment: CYP1A1: BS2

Labcorp Genetics (formerly Invitae), Labcorp
Classification: Benign. Last evaluated: 2018-07-06. Review status: criteria provided, single submitter. Criteria: Invitae Variant Classification Sherloc (09022015). Collection method: clinical testing. Allele origin: germline.

Breakthrough Genomics
Classification: Benign. Review status: criteria provided, single submitter. Criteria: ACMG Guidelines, 2015. Collection method: not provided. Allele origin: germline. Inheritance: Unknown mechanism. Affected: yes.